The following is an entry in ClinVar:

NM_199420.4(POLQ):c.2942A>G (p.Gln981Arg)

Gene: POLQ (DNA polymerase theta; minus strand). Cytogenetic location: 3q13.33.
Variant type: single nucleotide variant.
Coding change: c.2942A>G on transcript NM_199420.4 (MANE Select); coding-DNA position 2942, A replaced by G.
Protein change: p.Gln981Arg; replaces glutamine 981 with arginine.
Molecular consequence: missense variant.
Genome position (GRCh38, 1-based): chr3:121,489,989, T>C on the plus strand (A>G on the coding strand, the complement: POLQ is on the minus strand). VCF-style: chr3-121489989-T-C. GRCh37 (hg19) VCF-style: chr3-121208836-T-C.
Other names: short protein forms Q981R.
Identifiers: ClinVar variation 1797929 (VCV001797929.2), dbSNP rs2546787996, ClinGen allele CA354103832.

ClinVar aggregate classification (germline): Uncertain significance (1 of 4 stars; one submission).

Allele frequency attached by ClinVar (database versions not stated): gnomAD exomes below 0.00001.
gnomAD v4.1: 2 of 1,580,166 alleles (0.00013%); highest among the groups gnomAD compares: Non-Finnish European, 0.00017%; no homozygotes.

Submission:

Ambry Genetics
Classification: Uncertain significance. Last evaluated: 2022-08-11. Review status: criteria provided, single submitter. Criteria: Ambry Variant Classification Scheme 2023. Collection method: clinical testing. Allele origin: germline.
Comment: The p.Q981R variant (also known as c.2942A>G), located in coding exon 16 of the POLQ gene, results from an A to G substitution at nucleotide position 2942. The glutamine at codon 981 is replaced by arginine, an amino acid with highly similar properties. This amino acid position is conserved. In addition, this alteration is predicted to be tolerated by in silico analysis. Since supporting evidence is limited at this time, the clinical significance of this alteration remains unclear.